The following is an entry in ClinVar:

ClinVar aggregate classification (germline): Uncertain significance (1 of 4 stars; one submission).

gnomAD v4.1: 2 of 1,614,082 alleles (0.00012%); highest among the groups gnomAD compares: Non-Finnish European, 0.00017%; no homozygotes.

Submission:

GeneDx
Classification: Uncertain significance. Last evaluated: 2023-04-14. Review status: criteria provided, single submitter. Criteria: GeneDx Variant Classification Process June 2021. Collection method: clinical testing. Allele origin: germline. Affected: yes.
Comment: Not observed at significant frequency in large population cohorts (gnomAD); In silico analysis supports that this missense variant does not alter protein structure/function; Has not been previously published as pathogenic or benign to our knowledge

NM_001378454.1(ALMS1):c.3245C>T (p.Pro1082Leu)

Gene: ALMS1 (ALMS1 centrosome and basal body associated protein; plus strand). Cytogenetic location: 2p13.1.
Variant type: single nucleotide variant.
Coding change: c.3245C>T on transcript NM_001378454.1 (MANE Select); coding-DNA position 3245, C replaced by T.
Protein change: p.Pro1082Leu; replaces proline 1082 with leucine.
Molecular consequence: missense variant.
Genome position (GRCh38, 1-based): chr2:73,449,772, C>T. VCF-style: chr2-73449772-C-T. GRCh37 (hg19) VCF-style: chr2-73676899-C-T.
Other names: c.3248C>T, p.Pro1083Leu (NM_015120.4); short protein forms P1082L, P1083L.
Identifiers: ClinVar variation 3343091 (VCV003343091.1).
Genomic context (GRCh38, chr2:73,449,772, plus strand): 5'-AGGTGTTATCAGACAGTCATCTACCTGAAGAGAGTCTGAAAGTTTCAGCCTTCCCTGGAC[C>T]AGCTGACCAGATGACTGACACACCAGCAGTACCGTCTACTTTCTACTCACAAAGAGAGAA-3'
Protein context (NP_001365383.1, residues 1072-1092): ESLKVSAFPG[Pro1082Leu]ADQMTDTPAV